The following is an entry in ClinVar:

ClinVar aggregate classification (germline): Uncertain significance. Review status: criteria provided, multiple submitters, no conflicts (2 of 4 stars). 3 submissions from 3 submitters: Uncertain significance (3). Last evaluated 2024-06-01.

Conditions:
Inborn genetic diseases. Identifiers: MedGen C0950123, MeSH D030342.
Neuropathy, hereditary sensory and autonomic, type 2A (HSAN2A). Also called: HSAN IIA; ACROOSTEOLYSIS, GIACCAI TYPE; ACROOSTEOLYSIS, NEUROGENIC; MORVAN DISEASE; NEUROPATHY, CONGENITAL SENSORY; NEUROPATHY, HEREDITARY SENSORY RADICULAR, AUTOSOMAL RECESSIVE. Identifiers: Orphanet 970, MedGen C2752089, MONDO:0024309, OMIM 201300.
Pseudohypoaldosteronism type 2C (PHA2C). Also called: Pseudohypoaldosteronism Type IIC. Identifiers: Orphanet 757, Orphanet 88940, MedGen C1840391, MONDO:0013778, OMIM 614492.

gnomAD v4.1: 7 of 1,614,182 alleles (0.00043%); highest among the groups gnomAD compares: Middle Eastern, 0.016%; no homozygotes.

Submissions (3):

CeGaT Center for Human Genetics Tuebingen
Classification: Uncertain significance. Last evaluated: 2024-06-01. Review status: criteria provided, single submitter. Criteria: CeGaT Center For Human Genetics Tuebingen Variant Classification Criteria Version 2. Collection method: clinical testing. Allele origin: germline. Affected: yes. Observed: 1 variant allele.
Comment: WNK1: PM2, BP4

Labcorp Genetics (formerly Invitae), Labcorp
Classification: Uncertain significance for Neuropathy, hereditary sensory and autonomic, type 2A; Pseudohypoaldosteronism type 2C. Last evaluated: 2021-07-13. Review status: criteria provided, single submitter. Criteria: Invitae Variant Classification Sherloc (09022015). Collection method: clinical testing. Allele origin: germline.
Comment: This variant is not present in population databases (ExAC no frequency). Advanced modeling of protein sequence and biophysical properties (such as structural, functional, and spatial information, amino acid conservation, physicochemical variation, residue mobility, and thermodynamic stability) performed at Invitae indicates that this missense variant is not expected to disrupt WNK1 protein function. This variant has not been reported in the literature in individuals affected with WNK1-related conditions. This sequence change replaces valine with isoleucine at codon 2212 of the WNK1 protein (p.Val2212Ile). The valine residue is highly conserved and there is a small physicochemical difference between valine and isoleucine. In summary, the available evidence is currently insufficient to determine the role of this variant in disease. Therefore, it has been classified as a Variant of Uncertain Significance.

Ambry Genetics
Classification: Uncertain significance for Inborn genetic diseases. Last evaluated: 2021-06-14. Review status: criteria provided, single submitter. Criteria: Ambry Variant Classification Scheme 2023. Collection method: clinical testing. Allele origin: germline.
Comment: The p.V2212I variant (also known as c.6634G>A), located in coding exon 24 of the WNK1 gene, results from a G to A substitution at nucleotide position 6634. The valine at codon 2212 is replaced by isoleucine, an amino acid with highly similar properties. This amino acid position is well conserved in available vertebrate species; however, isoleucine is the reference amino acid in other vertebrate species. In addition, the in silico prediction for this alteration is inconclusive. Since supporting evidence is limited at this time, the clinical significance of this alteration remains unclear.

NM_018979.4(WNK1):c.5878G>A (p.Val1960Ile)

Gene: WNK1 (WNK lysine deficient protein kinase 1; plus strand). Cytogenetic location: 12p13.33.
Variant type: single nucleotide variant.
Coding change: c.5878G>A on transcript NM_018979.4 (MANE Select); coding-DNA position 5878, G replaced by A.
Protein change: p.Val1960Ile; replaces valine 1960 with isoleucine.
Molecular consequence: missense variant.
Genome position (GRCh38, 1-based): chr12:896,365, G>A. VCF-style: chr12-896365-G-A. GRCh37 (hg19) VCF-style: chr12-1005531-G-A.
Other names: c.6658G>A, p.Val2220Ile (NM_001184985.2); c.5134G>A, p.Val1712Ile (NM_014823.3); c.6634G>A, p.Val2212Ile (NM_213655.5); short protein forms V2212I, V2220I, V1712I, V1960I.
Identifiers: ClinVar variation 1370219 (VCV001370219.28), dbSNP rs1010227759, ClinGen allele CA231486607.